The following is an entry in ClinVar:

NM_006017.3(PROM1):c.1187dup (p.Thr397fs)

Gene: PROM1 (prominin 1; minus strand). Cytogenetic location: 4p15.32.
Variant type: Duplication.
Coding change: c.1187dup on transcript NM_006017.3 (MANE Select); coding-DNA position 1187, one base duplicated (T; older notation c.1187dupT).
Protein change: p.Thr397fs; shifts the reading frame from threonine 397.
Molecular consequence: frameshift variant.
Genome position (GRCh38, 1-based): chr4:16,009,063, A duplicated on the plus strand (T on the coding strand, the reverse complement: PROM1 is on the minus strand). VCF-style (leftmost placement, unchanged base first): chr4-16009062-T-TA. GRCh37 (hg19) VCF-style: chr4-16010685-T-TA.
Other names: c.1160dup, p.Thr388fs (NM_001145847.2, NM_001145848.2, NM_001145851.2 and 4 more transcripts); c.1187dup, p.Thr397fs (NM_001145849.2, NM_001145850.2); short protein forms T388fs, T397fs.
Identifiers: ClinVar variation 2022658 (VCV002022658.4), dbSNP rs2530169373, ClinGen allele CA2580070895.

ClinVar aggregate classification (germline): Pathogenic (1 of 4 stars; one submission).

Submission:

Labcorp Genetics (formerly Invitae), Labcorp
Classification: Pathogenic. Last evaluated: 2024-11-11. Review status: criteria provided, single submitter. Criteria: Invitae Variant Classification Sherloc (09022015). Collection method: clinical testing. Allele origin: germline.
Comment: This sequence change creates a premature translational stop signal (p.Thr397Asnfs*18) in the PROM1 gene. It is expected to result in an absent or disrupted protein product. Loss-of-function variants in PROM1 are known to be pathogenic (PMID: 17605048, 19718270, 24154662, 25474345). This variant is not present in population databases (gnomAD no frequency). This variant has not been reported in the literature in individuals affected with PROM1-related conditions. ClinVar contains an entry for this variant (Variation ID: 2022658). For these reasons, this variant has been classified as Pathogenic.

Literature cited by the submitters: PubMed 17605048; PubMed 19718270; PubMed 24154662; PubMed 25474345.